The following is an entry in ClinVar:

NM_000127.3(EXT1):c.830C>G (p.Ser277Ter)

Gene: EXT1 (exostosin glycosyltransferase 1; minus strand). Cytogenetic location: 8q24.11.
Variant type: single nucleotide variant.
Coding change: c.830C>G on transcript NM_000127.3 (MANE Select); coding-DNA position 830, C replaced by G.
Protein change: p.Ser277Ter; replaces serine 277 with a stop codon.
Molecular consequence: nonsense.
Genome position (GRCh38, 1-based): chr8:118,110,217, G>C on the plus strand (C>G on the coding strand, the complement: EXT1 is on the minus strand). VCF-style: chr8-118110217-G-C. GRCh37 (hg19) VCF-style: chr8-119122456-G-C.
Other names: short protein forms S277*.
Identifiers: ClinVar variation 2735204 (VCV002735204.3), dbSNP rs2130041565, ClinGen allele CA371914961.
Genomic context (GRCh38, chr8:118,110,217, plus strand): 5'-GTGGTGAGGAGCACAACGTCCTCCCCGTTATGGACGTGATATAAGGCATTCCTGGTGTCT[G>C]ATCCTATCCCTGTCAGGTACCTCTTCCCCTTGAATACCAGCATGTACTTCCTGAGAGGAG-3'

ClinVar aggregate classification (germline): Pathogenic (1 of 4 stars; one submission).

Conditions:
Multiple congenital exostosis (EXT). Also called: Hereditary multiple exostoses; Hereditary multiple exostosis; MULTIPLE CARTILAGINOUS EXOSTOSES; Multiple exostoses; Multiple osteochondromas; Hereditary multiple osteochondromas. Identifiers: Orphanet 321, MedGen C0015306, MONDO:0005508, HP:0002762.

Submission:

Labcorp Genetics (formerly Invitae), Labcorp
Classification: Pathogenic for Multiple congenital exostosis. Last evaluated: 2025-02-03. Review status: criteria provided, single submitter. Criteria: Invitae Variant Classification Sherloc (09022015). Collection method: clinical testing. Allele origin: germline.
Comment: This sequence change creates a premature translational stop signal (p.Ser277*) in the EXT1 gene. It is expected to result in an absent or disrupted protein product. Loss-of-function variants in EXT1 are known to be pathogenic (PMID: 10679937, 11391482, 19810120). This variant is not present in population databases (gnomAD no frequency). This premature translational stop signal has been observed in individual(s) with hereditary multiple osteochondromatosis (PMID: 16638657). ClinVar contains an entry for this variant (Variation ID: 2735204). For these reasons, this variant has been classified as Pathogenic.

Literature cited by the submitters: PubMed 10679937; PubMed 11391482; PubMed 19810120; PubMed 16638657.